The following is an entry in ClinVar:

NM_012434.5(SLC17A5):c.818A>G (p.Gln273Arg)

Gene: SLC17A5 (solute carrier family 17 member 5; minus strand). Cytogenetic location: 6q13.
Variant type: single nucleotide variant.
Coding change: c.818A>G on transcript NM_012434.5 (MANE Select); coding-DNA position 818, A replaced by G.
Protein change: p.Gln273Arg; replaces glutamine 273 with arginine.
Molecular consequence: missense variant.
Genome position (GRCh38, 1-based): chr6:73,635,383, T>C on the plus strand (A>G on the coding strand, the complement: SLC17A5 is on the minus strand). VCF-style: chr6-73635383-T-C. GRCh37 (hg19) VCF-style: chr6-74345106-T-C.
Other names: c.587A>G, p.Gln196Arg (NM_001382629.1); c.818A>G, p.Gln273Arg (NM_001382630.1, NM_001382633.1, NM_001382634.1); c.839A>G, p.Gln280Arg (NM_001382631.1); c.731A>G, p.Gln244Arg (NM_001382632.1); c.815A>G, p.Gln272Arg (NM_001382635.1); c.500A>G, p.Gln167Arg (NM_001382636.1); short protein forms Q167R, Q196R, Q244R, Q280R, Q272R, Q273R.
Identifiers: ClinVar variation 937672 (VCV000937672.10), dbSNP rs761959120, ClinGen allele CA3890436.

ClinVar aggregate classification (germline): Uncertain significance. Review status: criteria provided, single submitter (1 of 4 stars). 2 submissions from 2 submitters: Uncertain significance (1). 1 of the submissions does not count toward it. Last evaluated 2025-07-01.

Conditions:
Salla disease (SD). Also called: Less Severe FSASD (Salla Disease); Sialuria, Finnish type; N-acetylneuraminic acid (NANA) storage disease (NSD); Infantile sialic acid storage disorder (ISSD). Identifiers: Orphanet 309334, Orphanet 834, MedGen C1096903, MONDO:0011449, OMIM 604369.

Allele frequency attached by ClinVar (database versions not stated): gnomAD exomes below 0.00001 and 0.00001; ExAC 0.00001.
gnomAD v4.1: 10 of 1,499,420 alleles (0.00067%); highest among the groups gnomAD compares: Non-Finnish European, 0.00093%; no homozygotes.

Submissions (2):

Labcorp Genetics (formerly Invitae), Labcorp
Classification: Uncertain significance for Salla disease. Last evaluated: 2025-07-01. Review status: criteria provided, single submitter. Criteria: Invitae Variant Classification Sherloc (09022015). Collection method: clinical testing. Allele origin: germline.
Comment: This sequence change replaces glutamine, which is neutral and polar, with arginine, which is basic and polar, at codon 273 of the SLC17A5 protein (p.Gln273Arg). This variant is present in population databases (rs761959120, gnomAD 0.0009%). This variant has not been reported in the literature in individuals affected with SLC17A5-related conditions. ClinVar contains an entry for this variant (Variation ID: 937672). Invitae Evidence Modeling of protein sequence and biophysical properties (such as structural, functional, and spatial information, amino acid conservation, physicochemical variation, residue mobility, and thermodynamic stability) has been performed for this missense variant. However, the output from this modeling did not meet the statistical confidence thresholds required to predict the impact of this variant on SLC17A5 protein function. In summary, the available evidence is currently insufficient to determine the role of this variant in disease. Therefore, it has been classified as a Variant of Uncertain Significance.

Natera, Inc.
Classification: Uncertain significance for Salla disease. Last evaluated: 2020-02-21. Review status: no assertion criteria provided. Collection method: clinical testing. Allele origin: germline. Not counted in ClinVar's aggregate classification.